The following is an entry in ClinVar:

ClinVar aggregate classification (germline): Uncertain significance (1 of 4 stars; one submission).

Submission:

GeneDx
Classification: Uncertain significance. Last evaluated: 2025-11-04. Review status: criteria provided, single submitter. Criteria: GeneDx Variant Classification Process June 2021. Collection method: clinical testing. Allele origin: germline.
Comment: Not observed at significant frequency in large population cohorts (gnomAD); Frameshift variant predicted to result in protein truncation or nonsense mediated decay in a gene or region of a gene for which loss of function is not a well-established mechanism of disease; Has not been previously published as pathogenic or benign to our knowledge; Reported using an alternate transcript of the gene

NM_002578.5(PAK3):c.276+2690dup

Gene: PAK3 (p21 (RAC1) activated kinase 3; plus strand). Cytogenetic location: Xq23.
Variant type: Duplication.
Coding change: c.276+2690dup on transcript NM_002578.5 (MANE Select); 2690 bases into the intron after coding-DNA position 276, one base duplicated (T; older notation c.276+2690dupT).
Molecular consequence: intron variant. On other transcripts: frameshift variant (2).
Genome position (GRCh38, 1-based): chrX:111,144,886, T duplicated. VCF-style (leftmost placement, unchanged base first): chrX-111144885-C-CT. GRCh37 (hg19) VCF-style: chrX-110388113-C-CT.
Other names: c.303dup, p.Val102fs (NM_001128168.3, NM_001128172.2); c.276+2690dup (NM_001128166.3, NM_001324325.2, NM_001324330.2 and 5 more transcripts); c.277-1635dup (NM_001128173.3, NM_001324329.2, NM_001324327.2 and 2 more transcripts); short protein forms V102fs.
Identifiers: ClinVar variation 2662666 (VCV002662666.2), dbSNP rs2523409308, ClinGen allele CA2695197179.